The following is an entry in ClinVar:

NM_003995.4(NPR2):c.2266C>T (p.Gln756Ter)

Gene: NPR2 (natriuretic peptide receptor 2; plus strand). Cytogenetic location: 9p13.3.
Variant type: single nucleotide variant.
Coding change: c.2266C>T on transcript NM_003995.4 (MANE Select); coding-DNA position 2266, C replaced by T.
Protein change: p.Gln756Ter; replaces glutamine 756 with a stop codon.
Molecular consequence: nonsense.
Genome position (GRCh38, 1-based): chr9:35,806,127, C>T. VCF-style: chr9-35806127-C-T. GRCh37 (hg19) VCF-style: chr9-35806124-C-T.
Other names: c.2275C>T, p.Gln759Ter (NM_001378923.1); short protein forms Q756*, Q759*.
Identifiers: ClinVar variation 976052 (VCV000976052.2), dbSNP rs1828368702, ClinGen allele CA373378928.

ClinVar aggregate classification (germline): Likely pathogenic. Review status: criteria provided, single submitter (1 of 4 stars). 2 submissions from 1 submitter: Likely pathogenic (2). Last evaluated 2020-08-03.

Conditions:
Tall stature-scoliosis-macrodactyly of the great toes syndrome. Also called: Epiphyseal chondrodysplasia, miura type. Identifiers: Orphanet 329191, MedGen C4014690, MONDO:0014401, OMIM 615923.
Intellectual disability. Also called: intellectual disabilities; Intellectual developmental disorder; Intellectual functioning disability. Identifiers: MedGen C3714756, MeSH D008607, MONDO:0001071, HP:0001249.

gnomAD v4.1: 1 of 1,614,214 alleles (0.000062%); highest among the groups gnomAD compares: Non-Finnish European, 0.000085%; no homozygotes.

Submissions (2):

Institute of Human Genetics, University of Leipzig Medical Center
Classification: Likely pathogenic for Intellectual disability. Last evaluated: 2020-08-03. Review status: criteria provided, single submitter. Criteria: ACMG Guidelines, 2015. Collection method: clinical testing. Allele origin: unknown. Affected: yes.
Comment: Inheritance for this variant was unknown.

Institute of Human Genetics, University of Leipzig Medical Center
Classification: Likely pathogenic for Tall stature-scoliosis-macrodactyly of the great toes syndrome. Last evaluated: 2018-10-08. Review status: criteria provided, single submitter. Criteria: ACMG Guidelines, 2015. Collection method: clinical testing. Allele origin: germline. Affected: yes. Observed: 1 variant allele.